The following is an entry in ClinVar:

NM_024301.5(FKRP):c.795_811del (p.Ala267fs)

Gene: FKRP (fukutin related protein; plus strand). Cytogenetic location: 19q13.32.
Variant type: Deletion.
Coding change: c.795_811del on transcript NM_024301.5 (MANE Select); coding-DNA positions 795 to 811, 17 bases deleted (GGCGGCGCTGCTCCGCG).
Protein change: p.Ala267fs; shifts the reading frame from alanine 267.
Molecular consequence: frameshift variant.
Genome position (GRCh38, 1-based): chr19:46,756,245-46,756,261, GGCGGCGCTGCTCCGCG deleted; deleting any 17 consecutive bases within chr19:46,756,242-46,756,261 gives the same sequence; the c. name uses the placement nearest the transcript's 3' end. VCF-style (leftmost placement, unchanged base first): chr19-46756241-GGCGGGCGGCGCTGCTCC-G. GRCh37 (hg19) VCF-style: chr19-47259498-GGCGGGCGGCGCTGCTCC-G.
Other names: c.795_811del, p.Ala267fs (NM_001039885.3); short protein forms A267fs.
Identifiers: ClinVar variation 2675709 (VCV002675709.3), dbSNP rs2513992225, ClinGen allele CA2695201352.

ClinVar aggregate classification (germline): Pathogenic/Likely pathogenic. Review status: criteria provided, multiple submitters, no conflicts (2 of 4 stars). 2 submissions from 2 submitters: Pathogenic (1); Likely pathogenic (1). Last evaluated 2024-03-08.

Conditions:
Walker-Warburg congenital muscular dystrophy. Also called: Muscular dystrophy-dystroglycanopathy, type A; Walker-Warburg syndrome. Identifiers: Orphanet 899, MedGen C0265221, MONDO:0000171.
Muscular dystrophy-dystroglycanopathy (congenital with brain and eye anomalies), type A5. Also called: WALKER-WARBURG SYNDROME OR MUSCLE-EYE-BRAIN DISEASE, FKRP-RELATED; MUSCULAR DYSTROPHY-DYSTROGLYCANOPATHY (CONGENITAL WITH BRAIN AND EYE ANOMALIES), TYPE A, 5. Identifiers: Orphanet 588, Orphanet 899, MedGen C3150413, MONDO:0013157, OMIM 613153.

Submissions (2):

Labcorp Genetics (formerly Invitae), Labcorp
Classification: Pathogenic for Walker-Warburg congenital muscular dystrophy. Last evaluated: 2024-03-08. Review status: criteria provided, single submitter. Criteria: Invitae Variant Classification Sherloc (09022015). Collection method: clinical testing. Allele origin: germline.
Comment: This sequence change creates a premature translational stop signal (p.Ala267Glyfs*117) in the FKRP gene. While this is not anticipated to result in nonsense mediated decay, it is expected to disrupt the last 229 amino acid(s) of the FKRP protein. This variant is not present in population databases (gnomAD no frequency). This variant has not been reported in the literature in individuals affected with FKRP-related conditions. This variant disrupts a region of the FKRP protein in which other variant(s) (p.Ile478Thr) have been determined to be pathogenic (PMID: 16476814, 18639457, 19299310). This suggests that this is a clinically significant region of the protein, and that variants that disrupt it are likely to be disease-causing. For these reasons, this variant has been classified as Pathogenic.

Baylor Genetics
Classification: Likely pathogenic for Muscular dystrophy-dystroglycanopathy (congenital with brain and eye anomalies), type A5. Last evaluated: 2023-01-20. Review status: criteria provided, single submitter. Criteria: ACMG Guidelines, 2015. Collection method: clinical testing. Allele origin: unknown.

Literature cited by the submitters: PubMed 16476814 (cited by Labcorp Genetics (formerly Invitae), Labcorp); PubMed 18639457 (cited by Labcorp Genetics (formerly Invitae), Labcorp); PubMed 19299310 (cited by Labcorp Genetics (formerly Invitae), Labcorp).